The following is an entry in ClinVar:

ClinVar aggregate classification (germline): Uncertain significance (1 of 4 stars; one submission).

Conditions:
Precocious puberty, central, 2 (CPPB2). Identifiers: Orphanet 759, MedGen C3809199, MONDO:0014137, OMIM 615346.

Submission:

Victorian Clinical Genetics Services, Murdoch Childrens Research Institute
Classification: Uncertain significance for Precocious puberty, central, 2. Last evaluated: 2020-10-19. Review status: criteria provided, single submitter. Criteria: ACMG Guidelines, 2015. Collection method: clinical testing. Allele origin: germline. Inheritance: Autosomal dominant inheritance.
Comment: A heterozygous duplication variant was identified, NM_005664.3(MKRN3):c.1252dupT in exon 1 of 1 of the MKRN3 gene. This duplication is predicted to cause a frameshift introducing a stop codon 4 residues downstream, NP_005655.1(MKRN3):p.(Tyr418Leufs*4), resulting in loss of normal protein function through truncation (including the loss of MKRN1_C domain). The variant is not present in the gnomAD population database. It has not been previously observed in clinical cases. However, heterozygous upstream truncating variants have been reported as pathogenic in individuals with central precocious puberty (ClinVar). In addition, a single downstream truncating variant has been reported as likely pathogenic (VKGL-NL_Nijmegen, LOVD). Based on information available at the time of curation, this variant has been classified as a VARIANT of UNCERTAIN SIGNIFICANCE (VUS) with POTENTIAL CLINICAL RELEVANCE.

NM_005664.4(MKRN3):c.1252dup (p.Tyr418fs)

Gene: MKRN3 (makorin ring finger protein 3; plus strand). Cytogenetic location: 15q11.2.
Variant type: Duplication.
Coding change: c.1252dup on transcript NM_005664.4 (MANE Select); coding-DNA position 1252, one base duplicated (T; older notation c.1252dupT).
Protein change: p.Tyr418fs; shifts the reading frame from tyrosine 418.
Molecular consequence: frameshift variant.
Genome position (GRCh38, 1-based): chr15:23,567,034, T duplicated; the last of 4 consecutive T bases (chr15:23,567,031-23,567,034); duplicating any one gives the same sequence. VCF-style (leftmost placement, unchanged base first): chr15-23567030-C-CT. GRCh37 (hg19) VCF-style: chr15-23812177-C-CT.
Other names: short protein forms Y418fs.
Identifiers: ClinVar variation 3376562 (VCV003376562.1).